The following is an entry in ClinVar:

ClinVar aggregate classification (germline): Uncertain significance. Review status: criteria provided, multiple submitters, no conflicts (2 of 4 stars). 2 submissions from 2 submitters: Uncertain significance (2). Last evaluated 2025-10-21.

Conditions:
Myofibrillar myopathy 3 (MFM3). Also called: Muscular dystrophy, proximal, type 1A; Autosomal dominant spheroid body myopathy. Identifiers: Orphanet 266, Orphanet 268129, MedGen C3714934, MONDO:0012215, OMIM 609200.

gnomAD v4.1: 10 of 1,614,050 alleles (0.00062%); highest among the groups gnomAD compares: Non-Finnish European, 0.00085%; no homozygotes.

Submissions (2):

Labcorp Genetics (formerly Invitae), Labcorp
Classification: Uncertain significance for Myofibrillar myopathy 3. Last evaluated: 2025-10-21. Review status: criteria provided, single submitter. Criteria: Invitae Variant Classification Sherloc (09022015). Collection method: clinical testing. Allele origin: germline.
Comment: This sequence change replaces lysine, which is basic and polar, with glutamic acid, which is acidic and polar, at codon 36 of the MYOT protein (p.Lys36Glu). This variant is present in population databases (rs778881316, gnomAD 0.002%). This missense change has been observed in individual(s) with autosomal dominant myotilinopathy (PMID: 26842778). ClinVar contains an entry for this variant (Variation ID: 4083792). An algorithm developed to predict the effect of missense changes on protein structure and function (PolyPhen-2) suggests that this variant is likely to be disruptive. In summary, the available evidence is currently insufficient to determine the role of this variant in disease. Therefore, it has been classified as a Variant of Uncertain Significance.

CeGaT Center for Human Genetics Tuebingen
Classification: Uncertain significance. Last evaluated: 2025-08-01. Review status: criteria provided, single submitter. Criteria: CeGaT Center For Human Genetics Tuebingen Variant Classification Criteria Version 2. Collection method: clinical testing. Allele origin: germline. Affected: yes. Observed: 1 variant allele.
Comment: MYOT: PM2, PS4:Moderate

Literature cited by the submitters: PubMed 26842778 (cited by Labcorp Genetics (formerly Invitae), Labcorp).

NM_006790.3(MYOT):c.106A>G (p.Lys36Glu)

Genes: MYOT (myotilin; plus strand), PKD2L2-DT (PKD2L2 divergent transcript; minus strand). Cytogenetic location: 5q31.2.
Variant type: single nucleotide variant.
Coding change: c.106A>G on transcript NM_006790.3 (MANE Select); coding-DNA position 106, A replaced by G.
Protein change: p.Lys36Glu; replaces lysine 36 with glutamic acid.
Molecular consequence: missense variant. On other transcripts: intron variant (2).
Genome position (GRCh38, 1-based): chr5:137,870,757, A>G. VCF-style: chr5-137870757-A-G. GRCh37 (hg19) VCF-style: chr5-137206446-A-G.
Other names: c.-120-120A>G (NM_001300911.2); c.-197+232A>G (NM_001135940.2); short protein forms K36E.
Identifiers: ClinVar variation 4083792 (VCV004083792.9).
Genomic context (GRCh38, chr5:137,870,757, plus strand): 5'-CCATGTGGCTCCAGATTGCAGCCTCCTGGACCAGAAACCTCCAGCTTCTCTAGCCAGACC[A>G]AACAGTCTTCCATTATCATCCAGCCCCGCCAGTGTACAGAGCAAAGATTTTCTGCCTCCT-3'
Protein context (NP_006781.1, residues 26-46): PETSSFSSQT[Lys36Glu]QSSIIIQPRQ